The following is an entry in ClinVar:

NM_206937.2(LIG4):c.1751T>C (p.Ile584Thr)

Gene: LIG4 (DNA ligase 4; minus strand). Cytogenetic location: 13q33.3.
Variant type: single nucleotide variant.
Coding change: c.1751T>C on transcript NM_206937.2 (MANE Select); coding-DNA position 1751, T replaced by C.
Protein change: p.Ile584Thr; replaces isoleucine 584 with threonine.
Molecular consequence: missense variant.
Genome position (GRCh38, 1-based): chr13:108,209,518, A>G on the plus strand (T>C on the coding strand, the complement: LIG4 is on the minus strand). VCF-style: chr13-108209518-A-G. GRCh37 (hg19) VCF-style: chr13-108861866-A-G.
Other names: c.1751T>C, p.Ile584Thr (NM_001098268.2, NM_001352598.2, NM_001352599.2 and 6 more transcripts); c.1550T>C, p.Ile517Thr (NM_001330595.2); c.1787T>C, p.Ile596Thr (NM_001352604.2); short protein forms I517T, I584T, I596T.
Identifiers: ClinVar variation 1345431 (VCV001345431.3), dbSNP rs758274439, ClinGen allele CA7043624.

ClinVar aggregate classification (germline): Uncertain significance (1 of 4 stars; one submission).

Conditions:
DNA ligase IV deficiency. Identifiers: Orphanet 99812, MedGen C1847827, MONDO:0011686, OMIM 606593.

Allele frequency attached by ClinVar (database versions not stated): gnomAD exomes below 0.00001 and 0.00002; TOPMed below 0.00001; ExAC 0.00001.
gnomAD v4.1: 4 of 1,614,116 alleles (0.00025%); highest among the groups gnomAD compares: Admixed American, 0.0067%; no homozygotes.

Submission:

Labcorp Genetics (formerly Invitae), Labcorp
Classification: Uncertain significance for DNA ligase IV deficiency. Last evaluated: 2021-09-17. Review status: criteria provided, single submitter. Criteria: Invitae Variant Classification Sherloc (09022015). Collection method: clinical testing. Allele origin: germline.
Comment: This sequence change replaces isoleucine with threonine at codon 584 of the LIG4 protein (p.Ile584Thr). The isoleucine residue is highly conserved and there is a moderate physicochemical difference between isoleucine and threonine. This variant is present in population databases (rs758274439, ExAC 0.009%). This variant has not been reported in the literature in individuals affected with LIG4-related conditions. Algorithms developed to predict the effect of missense changes on protein structure and function are either unavailable or do not agree on the potential impact of this missense change (SIFT: "Tolerated"; PolyPhen-2: "Probably Damaging"; Align-GVGD: "Class C0"). In summary, the available evidence is currently insufficient to determine the role of this variant in disease. Therefore, it has been classified as a Variant of Uncertain Significance.